The following is an entry in ClinVar:

NM_005876.5(SPEG):c.5749G>A (p.Gly1917Arg)

Genes: ASIC4-AS1 (ASIC4 antisense RNA 1; minus strand), SPEG (striated muscle enriched protein kinase; plus strand). Cytogenetic location: 2q35.
Variant type: single nucleotide variant.
Coding change: c.5749G>A on transcript NM_005876.5 (MANE Select); coding-DNA position 5749, G replaced by A.
Protein change: p.Gly1917Arg; replaces glycine 1917 with arginine.
Molecular consequence: missense variant.
Genome position (GRCh38, 1-based): chr2:219,483,212, G>A. VCF-style: chr2-219483212-G-A. GRCh37 (hg19) VCF-style: chr2-220347934-G-A.
Other names: short protein forms G1917R.
Identifiers: ClinVar variation 1515933 (VCV001515933.6), dbSNP rs745788608, ClinGen allele CA2126947.

ClinVar aggregate classification (germline): Uncertain significance (1 of 4 stars; one submission).

Allele frequency attached by ClinVar (database versions not stated): TOPMed below 0.00001; gnomAD exomes 0.00001; ExAC 0.00003.
gnomAD v4.1: 3 of 1,610,064 alleles (0.00019%); highest among the groups gnomAD compares: Admixed American, 0.005%; no homozygotes.

Submission:

Labcorp Genetics (formerly Invitae), Labcorp
Classification: Uncertain significance. Last evaluated: 2022-01-13. Review status: criteria provided, single submitter. Criteria: Invitae Variant Classification Sherloc (09022015). Collection method: clinical testing. Allele origin: germline.
Comment: In summary, the available evidence is currently insufficient to determine the role of this variant in disease. Therefore, it has been classified as a Variant of Uncertain Significance. Algorithms developed to predict the effect of missense changes on protein structure and function are either unavailable or do not agree on the potential impact of this missense change (SIFT: "Deleterious"; PolyPhen-2: "Benign"; Align-GVGD: "Class C0"). This variant has not been reported in the literature in individuals affected with SPEG-related conditions. This variant is present in population databases (rs745788608, gnomAD 0.009%). This sequence change replaces glycine, which is neutral and non-polar, with arginine, which is basic and polar, at codon 1917 of the SPEG protein (p.Gly1917Arg).